The following is an entry in ClinVar:

NM_007186.6(CEP250):c.6011C>T (p.Ser2004Phe)

Gene: CEP250 (centrosomal protein 250; plus strand). Cytogenetic location: 20q11.22.
Variant type: single nucleotide variant.
Coding change: c.6011C>T on transcript NM_007186.6 (MANE Select); coding-DNA position 6011, C replaced by T.
Protein change: p.Ser2004Phe; replaces serine 2004 with phenylalanine.
Molecular consequence: missense variant.
Genome position (GRCh38, 1-based): chr20:35,504,380, C>T. VCF-style: chr20-35504380-C-T. GRCh37 (hg19) VCF-style: chr20-34092208-C-T.
Other names: c.4115C>T, p.Ser1372Phe (NM_001318219.1); short protein forms S1372F, S2004F.
Identifiers: ClinVar variation 1001582 (VCV001001582.8), dbSNP rs1033436914, ClinGen allele CA314161399.
Genomic context (GRCh38, chr20:35,504,380, plus strand): 5'-TCCTCGAGCAGGCAGAATTGAGCCGCAGTCTGGAGGCCAGCACTGCAACCCTGCAAGCCT[C>T]CCTGGATGCCTGCCAGGCACACAGTCGGCAGCTGGAGGAGGCTCTGAGGATACAAGAAGG-3'
Protein context (NP_009117.2, residues 1994-2014): LEASTATLQA[Ser2004Phe]LDACQAHSRQ

ClinVar aggregate classification (germline): Uncertain significance (1 of 4 stars; one submission).

Allele frequency attached by ClinVar (database versions not stated): gnomAD exomes below 0.00001 and 0.00001.
gnomAD v4.1: 7 of 1,600,866 alleles (0.00044%); highest among the groups gnomAD compares: South Asian, 0.0022%; no homozygotes.

Submission:

Labcorp Genetics (formerly Invitae), Labcorp
Classification: Uncertain significance. Last evaluated: 2022-02-08. Review status: criteria provided, single submitter. Criteria: Invitae Variant Classification Sherloc (09022015). Collection method: clinical testing. Allele origin: germline.
Comment: ClinVar contains an entry for this variant (Variation ID: 1001582). This variant has not been reported in the literature in individuals affected with CEP250-related conditions. Algorithms developed to predict the effect of missense changes on protein structure and function are either unavailable or do not agree on the potential impact of this missense change (SIFT: "Not Available"; PolyPhen-2: "Benign"; Align-GVGD: "Not Available"). In summary, the available evidence is currently insufficient to determine the role of this variant in disease. Therefore, it has been classified as a Variant of Uncertain Significance. This sequence change replaces serine, which is neutral and polar, with phenylalanine, which is neutral and non-polar, at codon 2004 of the CEP250 protein (p.Ser2004Phe). This variant is not present in population databases (gnomAD no frequency).